The following is an entry in ClinVar:

ClinVar aggregate classification (germline): Uncertain significance (1 of 4 stars; one submission).

Submission:

Labcorp Genetics (formerly Invitae), Labcorp
Classification: Uncertain significance. Last evaluated: 2025-01-11. Review status: criteria provided, single submitter. Criteria: Invitae Variant Classification Sherloc (09022015). Collection method: clinical testing. Allele origin: germline.
Comment: This sequence change replaces alanine, which is neutral and non-polar, with valine, which is neutral and non-polar, at codon 265 of the MOCS3 protein (p.Ala265Val). This variant is not present in population databases (gnomAD no frequency). This variant has not been reported in the literature in individuals affected with MOCS3-related conditions. An algorithm developed to predict the effect of missense changes on protein structure and function (PolyPhen-2) suggests that this variant is likely to be tolerated. In summary, the available evidence is currently insufficient to determine the role of this variant in disease. Therefore, it has been classified as a Variant of Uncertain Significance.

NM_014484.5(MOCS3):c.794C>T (p.Ala265Val)

Gene: MOCS3 (molybdenum cofactor synthesis 3; plus strand). Cytogenetic location: 20q13.13.
Variant type: single nucleotide variant.
Coding change: c.794C>T on transcript NM_014484.5 (MANE Select); coding-DNA position 794, C replaced by T.
Protein change: p.Ala265Val; replaces alanine 265 with valine.
Molecular consequence: missense variant.
Genome position (GRCh38, 1-based): chr20:50,959,636, C>T. VCF-style: chr20-50959636-C-T. GRCh37 (hg19) VCF-style: chr20-49576173-C-T.
Other names: short protein forms A265V.
Identifiers: ClinVar variation 3618803 (VCV003618803.2).